The following is an entry in ClinVar:

NM_002076.4(GNS):c.143A>G (p.Asn48Ser)

Gene: GNS (glucosamine (N-acetyl)-6-sulfatase; minus strand). Cytogenetic location: 12q14.3.
Variant type: single nucleotide variant.
Coding change: c.143A>G on transcript NM_002076.4 (MANE Select); coding-DNA position 143, A replaced by G.
Protein change: p.Asn48Ser; replaces asparagine 48 with serine.
Molecular consequence: missense variant.
Genome position (GRCh38, 1-based): chr12:64,759,134, T>C on the plus strand (A>G on the coding strand, the complement: GNS is on the minus strand). VCF-style: chr12-64759134-T-C. GRCh37 (hg19) VCF-style: chr12-65152914-T-C.
Other names: short protein forms N48S.
Identifiers: ClinVar variation 1443206 (VCV001443206.3), dbSNP rs370011049, ClinGen allele CA6670043.

ClinVar aggregate classification (germline): Uncertain significance (1 of 4 stars; one submission).

Conditions:
Mucopolysaccharidosis, MPS-III-D (MPS3D). Also called: N-ACETYLGLUCOSAMINE-6-SULFATASE DEFICIENCY; SANFILIPPO SYNDROME D; MPS III D; Mucopoly-saccharidosis type 3D; N-acetylglucosamine-6-sulfate sulfatase deficiency; MPS 3D. Identifiers: Orphanet 581, Orphanet 79272, MedGen C0086650, MONDO:0009658, OMIM 252940.

Allele frequency attached by ClinVar (database versions not stated): gnomAD exomes 0.00004; gnomAD 0.00008; ExAC 0.00009; TOPMed 0.00004; ESP Exome Variant Server 0.00015.
gnomAD v4.1: 77 of 1,561,292 alleles (0.0049%); highest among the groups gnomAD compares: Admixed American, 0.0058%; no homozygotes.

Submission:

Labcorp Genetics (formerly Invitae), Labcorp
Classification: Uncertain significance for Mucopolysaccharidosis, MPS-III-D. Last evaluated: 2022-05-08. Review status: criteria provided, single submitter. Criteria: Invitae Variant Classification Sherloc (09022015). Collection method: clinical testing. Allele origin: germline.
Comment: This sequence change replaces asparagine, which is neutral and polar, with serine, which is neutral and polar, at codon 48 of the GNS protein (p.Asn48Ser). The frequency data for this variant in the population databases is considered unreliable, as metrics indicate poor data quality at this position in the gnomAD database. This variant has not been reported in the literature in individuals affected with GNS-related conditions. Algorithms developed to predict the effect of missense changes on protein structure and function are either unavailable or do not agree on the potential impact of this missense change (SIFT: "Deleterious"; PolyPhen-2: "Possibly Damaging"; Align-GVGD: "Class C0"). In summary, the available evidence is currently insufficient to determine the role of this variant in disease. Therefore, it has been classified as a Variant of Uncertain Significance.